The following is an entry in ClinVar:

NM_006231.4(POLE):c.2230A>G (p.Thr744Ala)

Gene: POLE (DNA polymerase epsilon, catalytic subunit; minus strand). Cytogenetic location: 12q24.33.
Variant type: single nucleotide variant.
Coding change: c.2230A>G on transcript NM_006231.4 (MANE Select); coding-DNA position 2230, A replaced by G.
Protein change: p.Thr744Ala; replaces threonine 744 with alanine.
Molecular consequence: missense variant.
Genome position (GRCh38, 1-based): chr12:132,667,592, T>C on the plus strand (A>G on the coding strand, the complement: POLE is on the minus strand). VCF-style: chr12-132667592-T-C. GRCh37 (hg19) VCF-style: chr12-133244178-T-C.
Other names: short protein forms T744A.
Identifiers: ClinVar variation 1788097 (VCV001788097.2), dbSNP rs2135970445, ClinGen allele CA387352255.

ClinVar aggregate classification (germline): Uncertain significance (1 of 4 stars; one submission).

Conditions:
Hereditary cancer-predisposing syndrome. Also called: Neoplastic Syndromes, Hereditary; Tumor predisposition; Hereditary Cancer Syndrome; Hereditary neoplastic syndrome. Identifiers: Orphanet 140162, MedGen C0027672, MeSH D009386, MONDO:0015356.

Allele frequency attached by ClinVar (database versions not stated): gnomAD exomes below 0.00001.
gnomAD v4.1: 1 of 1,613,708 alleles (0.000062%); highest among the groups gnomAD compares: Non-Finnish European, 0.000085%; no homozygotes.

Submission:

Ambry Genetics
Classification: Uncertain significance for Hereditary cancer-predisposing syndrome. Last evaluated: 2021-11-17. Review status: criteria provided, single submitter. Criteria: Ambry Variant Classification Scheme 2023. Collection method: clinical testing. Allele origin: germline.
Comment: The p.T744A variant (also known as c.2230A>G), located in coding exon 20 of the POLE gene, results from an A to G substitution at nucleotide position 2230. The threonine at codon 744 is replaced by alanine, an amino acid with similar properties. This amino acid position is conserved. In addition, the in silico prediction for this alteration is inconclusive. Since supporting evidence is limited at this time, the clinical significance of this alteration remains unclear.